The following is an entry in ClinVar:

ClinVar aggregate classification (germline): Likely benign (1 of 4 stars; one submission).

Submission:

CeGaT Center for Human Genetics Tuebingen
Classification: Likely benign. Last evaluated: 2025-04-01. Review status: criteria provided, single submitter. Criteria: CeGaT Center For Human Genetics Tuebingen Variant Classification Criteria Version 2. Collection method: clinical testing. Allele origin: germline. Affected: yes. Observed: 1 variant allele.
Comment: DSPP: BP4, BP7

NM_014208.3(DSPP):c.3489C>T (p.Ser1163=)

Genes: DMP1-AS1 (DMP1 and DSPP antisense RNA 1; minus strand), DSPP (dentin sialophosphoprotein; plus strand). Cytogenetic location: 4q22.1.
Variant type: single nucleotide variant.
Coding change: c.3489C>T on transcript NM_014208.3 (MANE Select); coding-DNA position 3489, C replaced by T.
Protein change: p.Ser1163=; no amino-acid change (serine 1163 retained).
Molecular consequence: synonymous variant.
Genome position (GRCh38, 1-based): chr4:87,616,151, C>T. VCF-style: chr4-87616151-C-T. GRCh37 (hg19) VCF-style: chr4-88537303-C-T.
Identifiers: ClinVar variation 3898074 (VCV003898074.7).